The following is an entry in ClinVar:

NM_018418.5(SPATA7):c.1033A>G (p.Met345Val)

Gene: SPATA7 (spermatogenesis associated 7; plus strand). Cytogenetic location: 14q31.3.
Variant type: single nucleotide variant.
Coding change: c.1033A>G on transcript NM_018418.5 (MANE Select); coding-DNA position 1033, A replaced by G.
Protein change: p.Met345Val; replaces methionine 345 with valine.
Molecular consequence: missense variant.
Genome position (GRCh38, 1-based): chr14:88,431,176, A>G. VCF-style: chr14-88431176-A-G. GRCh37 (hg19) VCF-style: chr14-88897520-A-G.
Other names: c.937A>G, p.Met313Val (NM_001040428.4); short protein forms M345V, M313V.
Identifiers: ClinVar variation 167716 (VCV000167716.21), dbSNP rs375371982, ClinGen allele CA234982.

ClinVar aggregate classification (germline): Conflicting classifications of pathogenicity. Review status: criteria provided, conflicting classifications (1 of 4 stars). 9 submissions from 8 submitters: Uncertain significance (6); Likely benign (2). 1 of the submissions does not count toward it. Last evaluated 2026-03-24.

Conditions:
SPATA7-related disorder. Also called: SPATA7-related condition; SPATA7-related disorders. Identifiers: MedGen CN239422.
Retinal dystrophy. Also called: Inherited retinal dystrophy. Identifiers: Orphanet 71862, MedGen C0854723, MeSH D058499, MONDO:0019118, HP:0000556.
Retinitis pigmentosa (RP). Identifiers: Orphanet 791, MedGen C0035334, MeSH D012174, MONDO:0019200, OMIM 268000. Inheritance: Autosomal dominant, autosomal recessive and X linked inheritance.
Leber congenital amaurosis 3 (LCA3). Also called: SPATA7-Related Retinitis Pigmentosa. Identifiers: MedGen C1858677, MONDO:0011415, OMIM 604232.

Allele frequency attached by ClinVar (database versions not stated): gnomAD 0.00010 and 0.00014; gnomAD exomes 0.00013; ExAC 0.00015; ESP Exome Variant Server 0.00008; TOPMed 0.00011.
gnomAD v4.1: 295 of 1,613,638 alleles (0.018%); highest among the groups gnomAD compares: East Asian, 0.39%; 1 homozygote.

Submissions (12):

PreventionGenetics, part of Exact Sciences
Classification: Uncertain significance for SPATA7-related condition. Last evaluated: 2026-03-24. Review status: criteria provided, single submitter. Criteria: ACMG Guidelines, 2015. Collection method: clinical testing. Allele origin: germline.
Comment: The SPATA7 c.1033A>G variant is predicted to result in the amino acid substitution p.Met345Val. To our knowledge, this variant has not been reported in the literature. This variant is reported in 0.075% of alleles in individuals of East Asian descent in gnomAD. Although we suspect that this variant may be benign, at this time, the clinical significance of this variant is uncertain due to the absence of conclusive functional and genetic evidence.

Blueprint Genetics
Classification: Likely benign. Last evaluated: 2024-11-07. Review status: criteria provided, single submitter. Criteria: ACMG Guidelines, 2015. Collection method: clinical testing. Allele origin: germline.

GeneDx
Classification: Uncertain significance. Last evaluated: 2024-03-13. Review status: criteria provided, single submitter. Criteria: GeneDx Variant Classification Process June 2021. Collection method: clinical testing. Allele origin: germline. Affected: yes.
Comment: Has not been previously published as pathogenic or benign in patients with inherited retinal disease to our knowledge; In silico analysis supports that this missense variant does not alter protein structure/function; This variant is associated with the following publications: (PMID: 31695380)

Labcorp Genetics (formerly Invitae), Labcorp
Classification: Uncertain significance for Leber congenital amaurosis 3. Last evaluated: 2023-11-27. Review status: criteria provided, single submitter. Criteria: Invitae Variant Classification Sherloc (09022015). Collection method: clinical testing. Allele origin: germline.
Comment: This sequence change replaces methionine, which is neutral and non-polar, with valine, which is neutral and non-polar, at codon 345 of the SPATA7 protein (p.Met345Val). This variant is present in population databases (rs375371982, gnomAD 0.08%). This variant has not been reported in the literature in individuals affected with SPATA7-related conditions. ClinVar contains an entry for this variant (Variation ID: 167716). Advanced modeling of protein sequence and biophysical properties (such as structural, functional, and spatial information, amino acid conservation, physicochemical variation, residue mobility, and thermodynamic stability) performed at Invitae indicates that this missense variant is not expected to disrupt SPATA7 protein function with a negative predictive value of 80%. In summary, the available evidence is currently insufficient to determine the role of this variant in disease. Therefore, it has been classified as a Variant of Uncertain Significance.

Dept Of Ophthalmology, Nagoya University
Classification: Likely benign for Retinal dystrophy. Last evaluated: 2023-10-01. Review status: criteria provided, single submitter. Criteria: Submitter's publication. Collection method: research. Allele origin: germline. Affected: yes.

Illumina Laboratory Services, Illumina
Classification: Uncertain significance for Retinitis pigmentosa. Last evaluated: 2018-01-12. Review status: criteria provided, single submitter. Criteria: ICSL Variant Classification Criteria 13 December 2019. Collection method: clinical testing. Allele origin: germline.

Illumina Laboratory Services, Illumina
Classification: Uncertain significance for Leber congenital amaurosis 3. Last evaluated: 2018-01-12. Review status: criteria provided, single submitter. Criteria: ICSL Variant Classification Criteria 13 December 2019. Collection method: clinical testing. Allele origin: germline.

Eurofins Ntd Llc (ga)
Classification: Uncertain significance. Last evaluated: 2014-04-26. Review status: criteria provided, single submitter. Criteria: EGL Classification Definitions 2015. Collection method: clinical testing. Allele origin: germline. Observed: 1 variant allele, 1 heterozygote.

Institute of Human Genetics, Univ. Regensburg, Univ. Regensburg
Classification: Uncertain significance for Retinal dystrophy. Last evaluated: 2023-01-01. Review status: no assertion criteria provided. Criteria: ACMG Guidelines, 2015. Collection method: clinical testing. Allele origin: germline. Affected: yes. Not counted in ClinVar's aggregate classification.

Dr. Peter K. Rogan Lab, Western University
No classification provided (evidence only). Condition: Melanoma. Review status: no classification provided. Collection method: in vitro. Allele origin: not applicable. Functional consequence: retained intron. Not counted in ClinVar's aggregate classification.

Dr. Peter K. Rogan Lab, Western University
No classification provided (evidence only). Condition: Colorectal cancer. Review status: no classification provided. Collection method: in vitro. Allele origin: not applicable. Functional consequence: retained intron. Not counted in ClinVar's aggregate classification.

Dr. Peter K. Rogan Lab, Western University
No classification provided (evidence only). Condition: Thyroid cancer, nonmedullary, 1. Review status: no classification provided. Collection method: in vitro. Allele origin: not applicable. Functional consequence: retained intron. Not counted in ClinVar's aggregate classification.